The following is an entry in ClinVar:

NM_133459.4(CCBE1):c.988-10A>G

Gene: CCBE1 (collagen and calcium binding EGF domains 1; minus strand). Cytogenetic location: 18q21.32.
Variant type: single nucleotide variant.
Coding change: c.988-10A>G on transcript NM_133459.4 (MANE Select); 10 bases into the intron before coding-DNA position 988, A replaced by G.
Molecular consequence: intron variant.
Genome position (GRCh38, 1-based): chr18:59,436,151, T>C on the plus strand (A>G on the coding strand, the complement: CCBE1 is on the minus strand). VCF-style: chr18-59436151-T-C. GRCh37 (hg19) VCF-style: chr18-57103383-T-C.
Other names: c.988-10A>G (LRG_1209t1).
Identifiers: ClinVar variation 262357 (VCV000262357.19), dbSNP rs115490148, ClinGen allele CA8980210.

ClinVar aggregate classification (germline): Benign. Review status: criteria provided, multiple submitters, no conflicts (2 of 4 stars). 6 submissions from 6 submitters: Benign (6). Last evaluated 2026-02-01.

Conditions:
Hennekam lymphangiectasia-lymphedema syndrome 1 (HKLLS1). Also called: LYMPHATIC DYSPLASIA, GENERALIZED. Identifiers: Orphanet 2136, MedGen C4012050, MONDO:0009337, OMIM 235510.

Allele frequency attached by ClinVar (database versions not stated): gnomAD exomes 0.00579; ExAC 0.00729; gnomAD 0.02216 and 0.02376; ESP Exome Variant Server 0.02468; TOPMed 0.02502; 1000 Genomes Project 0.02556; 1000 Genomes Project 30x 0.02717.
gnomAD v4.1: 6,604 of 1,613,006 alleles (0.41%); highest among the groups gnomAD compares: African/African-American, 7.5%; 239 homozygotes.

Submissions (6):

Labcorp Genetics (formerly Invitae), Labcorp
Classification: Benign. Last evaluated: 2026-02-01. Review status: criteria provided, single submitter. Criteria: Invitae Variant Classification Sherloc (09022015). Collection method: clinical testing. Allele origin: germline.

ARUP Laboratories, Molecular Genetics and Genomics, ARUP Laboratories
Classification: Benign for Hennekam lymphangiectasia-lymphedema syndrome 1. Last evaluated: 2023-11-22. Review status: criteria provided, single submitter. Criteria: ARUP Molecular Germline Variant Investigation Process 2024. Collection method: clinical testing. Allele origin: germline.

GeneDx
Classification: Benign. Last evaluated: 2018-11-10. Review status: criteria provided, single submitter. Criteria: GeneDx Variant Classification Process June 2021. Collection method: clinical testing. Allele origin: germline. Affected: yes.

Illumina Laboratory Services, Illumina
Classification: Benign for Hennekam lymphangiectasia-lymphedema syndrome 1. Last evaluated: 2018-01-12. Review status: criteria provided, single submitter. Criteria: ICSL Variant Classification Criteria 13 December 2019. Collection method: clinical testing. Allele origin: germline.
Comment: This variant was observed in the ICSL laboratory as part of a predisposition screen in an ostensibly healthy population. It had not been previously curated by ICSL or reported in the Human Gene Mutation Database (HGMD: prior to June 1st, 2018), and was therefore a candidate for classification through an automated scoring system. Utilizing variant allele frequency, disease prevalence and penetrance estimates, and inheritance mode, an automated score was calculated to assess if this variant is too frequent to cause the disease. Based on the score and internal cut-off values, a variant classified as benign is not then subjected to further curation. The score for this variant resulted in a classification of benign for this disease.

Breakthrough Genomics
Classification: Benign. Review status: criteria provided, single submitter. Criteria: ACMG Guidelines, 2015. Collection method: not provided. Allele origin: germline. Inheritance: Autosomal recessive inheritance. Affected: yes.

PreventionGenetics, part of Exact Sciences
Classification: Benign. Review status: criteria provided, single submitter. Criteria: ACMG Guidelines, 2015. Collection method: clinical testing. Allele origin: germline.